The following is an entry in ClinVar:

NM_016169.4(SUFU):c.949_954del (p.Glu317_Ile318del)

Gene: SUFU (SUFU negative regulator of hedgehog signaling; plus strand). Cytogenetic location: 10q24.32.
Variant type: Deletion.
Coding change: c.949_954del on transcript NM_016169.4 (MANE Select); coding-DNA positions 949 to 954, 6 bases deleted (GAGATC; older notation c.949_954delGAGATC).
Protein change: p.Glu317_Ile318del.
Molecular consequence: inframe deletion.
Genome position (GRCh38, 1-based): chr10:102,599,471-102,599,476, GAGATC deleted; deleting any 6 consecutive bases within chr10:102,599,469-102,599,476 gives the same sequence; the c. name uses the placement nearest the transcript's 3' end. VCF-style (leftmost placement, unchanged base first): chr10-102599468-CTCGAGA-C. GRCh37 (hg19) VCF-style: chr10-104359225-CTCGAGA-C.
Other names: c.949_954del, p.Glu317_Ile318del (NM_001178133.2); c.949_954delGAGATC (NM_016169.3).
Identifiers: ClinVar variation 859544 (VCV000859544.15), dbSNP rs2063495678, ClinGen allele CA916081619.

ClinVar aggregate classification (germline): Uncertain significance. Review status: criteria provided, multiple submitters, no conflicts (2 of 4 stars). 2 submissions from 2 submitters: Uncertain significance (2). Last evaluated 2022-09-29.

Conditions:
Gorlin syndrome. Also called: Nevoid Basal Cell Carcinoma Syndrome; Basal cell nevus syndrome. Identifiers: Orphanet 377, MedGen C0004779, MONDO:0007187.
Medulloblastoma (MDB). Also called: MEDULLOBLASTOMA PREDISPOSITION SYNDROME; Medulloblastoma, somatic. Identifiers: Orphanet 616, MedGen C0025149, MeSH D008527, MONDO:0007959, OMIM 155255, HP:0002885.
Hereditary cancer-predisposing syndrome. Also called: Hereditary neoplastic syndrome; Tumor predisposition; Neoplastic Syndromes, Hereditary; Hereditary Cancer Syndrome. Identifiers: Orphanet 140162, MedGen C0027672, MeSH D009386, MONDO:0015356.

Submissions (2):

Ambry Genetics
Classification: Uncertain significance for Hereditary cancer-predisposing syndrome. Last evaluated: 2022-09-29. Review status: criteria provided, single submitter. Criteria: Ambry Variant Classification Scheme 2023. Collection method: clinical testing. Allele origin: germline.
Comment: The c.949_954delGAGATC variant (also known as p.E317_I318del) is located in coding exon 8 of the SUFU gene. This variant results from an in-frame GAGATC deletion at nucleotide positions 949 to 954. This results in the in-frame deletion of two amino acids (EI) at codons 317 and 318. These amino acid positions are well conserved in available vertebrate species. In addition, this alteration is predicted to be neutral by in silico analysis (Choi Y et al. PLoS ONE. 2012; 7(10):e46688). Since supporting evidence is limited at this time, the clinical significance of this alteration remains unclear.

Labcorp Genetics (formerly Invitae), Labcorp
Classification: Uncertain significance for Gorlin syndrome; Medulloblastoma. Last evaluated: 2019-12-26. Review status: criteria provided, single submitter. Criteria: Invitae Variant Classification Sherloc (09022015). Collection method: clinical testing. Allele origin: germline.
Comment: In summary, the available evidence is currently insufficient to determine the role of this variant in disease. Therefore, it has been classified as a Variant of Uncertain Significance. Experimental studies and prediction algorithms are not available or were not evaluated, and the functional significance of this variant is currently unknown. This variant has not been reported in the literature in individuals with SUFU-related conditions. This variant is not present in population databases (ExAC no frequency). This variant, c.949_954del, results in the deletion of 2 amino acid(s) of the SUFU protein (p.Glu317_Ile318del), but otherwise preserves the integrity of the reading frame.